The following is an entry in ClinVar:

NM_006231.4(POLE):c.4550C>G (p.Thr1517Ser)

Gene: POLE (DNA polymerase epsilon, catalytic subunit; minus strand). Cytogenetic location: 12q24.33.
Variant type: single nucleotide variant.
Coding change: c.4550C>G on transcript NM_006231.4 (MANE Select); coding-DNA position 4550, C replaced by G.
Protein change: p.Thr1517Ser; replaces threonine 1517 with serine.
Molecular consequence: missense variant.
Genome position (GRCh38, 1-based): chr12:132,643,225, G>C on the plus strand (C>G on the coding strand, the complement: POLE is on the minus strand). VCF-style: chr12-132643225-G-C. GRCh37 (hg19) VCF-style: chr12-133219811-G-C.
Other names: short protein forms T1517S.
Identifiers: ClinVar variation 4672080 (VCV004672080.1).

ClinVar aggregate classification (germline): Uncertain significance (1 of 4 stars; one submission).

Conditions:
Hereditary cancer-predisposing syndrome. Also called: Neoplastic Syndromes, Hereditary; Tumor predisposition; Hereditary Cancer Syndrome; Hereditary neoplastic syndrome. Identifiers: Orphanet 140162, MedGen C0027672, MeSH D009386, MONDO:0015356.

Submission:

Ambry Genetics
Classification: Uncertain significance for Hereditary cancer-predisposing syndrome. Last evaluated: 2025-10-25. Review status: criteria provided, single submitter. Criteria: Ambry Variant Classification Scheme 2023. Collection method: clinical testing. Allele origin: germline.
Comment: The p.T1517S variant (also known as c.4550C>G), located in coding exon 35 of the POLE gene, results from a C to G substitution at nucleotide position 4550. The threonine at codon 1517 is replaced by serine, an amino acid with similar properties. This amino acid position is conserved. In addition, this alteration is predicted to be tolerated by in silico analysis. Based on the available evidence, the clinical significance of this variant remains unclear.